The following is an entry in ClinVar:

ClinVar aggregate classification (germline): Likely benign (1 of 4 stars; one submission).

Allele frequency attached by ClinVar (database versions not stated): gnomAD exomes 0.00002.
gnomAD v4.1: 6 of 433,124 alleles (0.0014%); highest among the groups gnomAD compares: East Asian, 0.0048%; no homozygotes.

Submission:

GeneDx
Classification: Likely benign. Last evaluated: 2018-01-22. Review status: criteria provided, single submitter. Criteria: GeneDx Variant Classification (06012015). Collection method: clinical testing. Allele origin: germline. Affected: yes.
Comment: This variant is considered likely benign or benign based on one or more of the following criteria: it is a conservative change, it occurs at a poorly conserved position in the protein, it is predicted to be benign by multiple in silico algorithms, and/or has population frequency not consistent with disease.

NM_001105206.3(LAMA4):c.-147C>T

Genes: LAMA4 (laminin subunit alpha 4; minus strand), LAMA4-AS1 (LAMA4 antisense RNA 1; plus strand). Cytogenetic location: 6q21.
Variant type: single nucleotide variant.
Coding change: c.-147C>T on transcript NM_001105206.3 (MANE Select); 147 bases upstream of the start codon, C replaced by T.
Molecular consequence: 5 prime UTR variant.
Genome position (GRCh38, 1-based): chr6:112,254,464, G>A on the plus strand (C>T on the coding strand, the complement: LAMA4 is on the minus strand). VCF-style: chr6-112254464-G-A. GRCh37 (hg19) VCF-style: chr6-112575666-G-A.
Other names: c.-164C>T (NM_001105207.3, NM_001105209.3); c.-147C>T (NM_001105208.3, NM_002290.5).
Identifiers: ClinVar variation 514977 (VCV000514977.1), dbSNP rs1554190701, ClinGen allele CA658796807.